The following is an entry in ClinVar:

NM_007294.4(BRCA1):c.2011G>C (p.Gly671Arg)

Gene: BRCA1 (BRCA1 DNA repair associated; minus strand). Cytogenetic location: 17q21.31.
Variant type: single nucleotide variant.
Coding change: c.2011G>C on transcript NM_007294.4 (MANE Select); coding-DNA position 2011, G replaced by C.
Protein change: p.Gly671Arg; replaces glycine 671 with arginine.
Molecular consequence: missense variant. On other transcripts: intron variant (137).
Genome position (GRCh38, 1-based): chr17:43,093,520, C>G on the plus strand (G>C on the coding strand, the complement: BRCA1 is on the minus strand). VCF-style: chr17-43093520-C-G. GRCh37 (hg19) VCF-style: chr17-41245537-C-G.
Other names: c.670+2326G>C (NM_001408422.1, NM_001408418.1, NM_001408423.1 and 2 more transcripts); c.706+1224G>C (NM_001408416.1, NM_001408413.1); c.577+1224G>C (NM_001408484.1, NM_001408478.1, NM_001408514.1 and 9 more transcripts); c.661+1224G>C (NM_001408450.1, NM_001408434.1, NM_001408447.1 and 6 more transcripts); c.784+1224G>C (NM_001408398.1, NM_001407992.1, NM_001408400.1 and 13 more transcripts); c.664+1224G>C (NM_001408440.1, NM_001408428.1, NM_001408441.1 and 12 more transcripts); c.787+1224G>C (NM_001407981.1, NM_007298.4, NM_001407978.1 and 19 more transcripts); c.643+1224G>C (NM_001408462.1, NM_001408470.1, NM_001408464.1 and 3 more transcripts); and 40 more; short protein forms G582R, G623R, G503R, G603R, G604R, G629R, G670R, G671R.
Identifiers: ClinVar variation 5033185 (VCV005033185.1).

ClinVar aggregate classification (germline): Uncertain significance (1 of 4 stars; one submission).

Conditions:
Hereditary cancer-predisposing syndrome. Also called: Neoplastic Syndromes, Hereditary; Tumor predisposition; Hereditary neoplastic syndrome; Hereditary Cancer Syndrome. Identifiers: Orphanet 140162, MedGen C0027672, MeSH D009386, MONDO:0015356.

Submission:

Ambry Genetics
Classification: Uncertain significance for Hereditary cancer-predisposing syndrome. Last evaluated: 2026-07-07. Review status: criteria provided, single submitter. Criteria: Ambry Variant Classification Scheme 2023. Collection method: clinical testing. Allele origin: germline.
Comment: The p.G671R variant (also known as c.2011G>C), located in coding exon 9 of the BRCA1 gene, results from a G to C substitution at nucleotide position 2011. The glycine at codon 671 is replaced by arginine, an amino acid with dissimilar properties. This amino acid position is conserved. In addition, the in silico prediction for this alteration is inconclusive. Based on the available evidence, the clinical significance of this variant remains unclear.